The following is an entry in ClinVar:

NM_001365536.1(SCN9A):c.2732A>C (p.Asn911Thr)

Genes: SCN1A-AS1 (SCN1A and SCN9A antisense RNA 1; plus strand), SCN9A (sodium voltage-gated channel alpha subunit 9; minus strand). Cytogenetic location: 2q24.3.
Variant type: single nucleotide variant.
Coding change: c.2732A>C on transcript NM_001365536.1 (MANE Select); coding-DNA position 2732, A replaced by C.
Protein change: p.Asn911Thr; replaces asparagine 911 with threonine.
Molecular consequence: missense variant. On other transcripts: non-coding transcript variant (1).
Genome position (GRCh38, 1-based): chr2:166,277,125, T>G on the plus strand (A>C on the coding strand, the complement: SCN9A is on the minus strand). VCF-style: chr2-166277125-T-G. GRCh37 (hg19) VCF-style: chr2-167133635-T-G.
Other names: c.2699A>C, p.Asn900Thr (NM_002977.4); short protein forms N900T, N911T.
Identifiers: ClinVar variation 1043689 (VCV001043689.7), dbSNP rs1697270208, ClinGen allele CA349077668.

ClinVar aggregate classification (germline): Uncertain significance (1 of 4 stars; one submission).

Conditions:
Neuropathy, hereditary sensory and autonomic, type 2A (HSAN2A). Also called: WNK1-Related HSAN2 (HSAN2A); MORVAN DISEASE; NEUROPATHY, CONGENITAL SENSORY; NEUROPATHY, HEREDITARY SENSORY RADICULAR, AUTOSOMAL RECESSIVE; NEUROPATHY, HEREDITARY SENSORY, TYPE IIA; NEUROPATHY, PROGRESSIVE SENSORY, OF CHILDREN. Identifiers: Orphanet 970, MedGen C2752089, MONDO:0024309, OMIM 201300.
Generalized epilepsy with febrile seizures plus, type 7 (GEFSP7). Also called: GEFS+, TYPE 7. Identifiers: Orphanet 36387, MedGen C2751778, MONDO:0013470, OMIM 613863.

Submission:

Labcorp Genetics (formerly Invitae), Labcorp
Classification: Uncertain significance for Neuropathy, hereditary sensory and autonomic, type 2A; Generalized epilepsy with febrile seizures plus, type 7. Last evaluated: 2023-09-24. Review status: criteria provided, single submitter. Criteria: Invitae Variant Classification Sherloc (09022015). Collection method: clinical testing. Allele origin: germline.
Comment: In summary, the available evidence is currently insufficient to determine the role of this variant in disease. Therefore, it has been classified as a Variant of Uncertain Significance. Advanced modeling of protein sequence and biophysical properties (such as structural, functional, and spatial information, amino acid conservation, physicochemical variation, residue mobility, and thermodynamic stability) performed at Invitae indicates that this missense variant is not expected to disrupt SCN9A protein function. ClinVar contains an entry for this variant (Variation ID: 1043689). This variant has not been reported in the literature in individuals affected with SCN9A-related conditions. This variant is not present in population databases (gnomAD no frequency). This sequence change replaces asparagine, which is neutral and polar, with threonine, which is neutral and polar, at codon 900 of the SCN9A protein (p.Asn900Thr).